The following is an entry in ClinVar:

NM_001289104.2(PRKCSH):c.1568C>T (p.Pro523Leu)

Gene: PRKCSH (PRKCSH beta subunit of glucosidase II; plus strand). Cytogenetic location: 19p13.2.
Variant type: single nucleotide variant.
Coding change: c.1568C>T on transcript NM_001289104.2 (MANE Select); coding-DNA position 1568, C replaced by T.
Protein change: p.Pro523Leu; replaces proline 523 with leucine.
Molecular consequence: missense variant.
Genome position (GRCh38, 1-based): chr19:11,449,372, C>T. VCF-style: chr19-11449372-C-T. GRCh37 (hg19) VCF-style: chr19-11560187-C-T.
Other names: p.Pro516Leu; c.1538C>T, p.Pro513Leu (NM_001001329.3, NM_001289102.2, NM_001379609.1); c.1568C>T, p.Pro523Leu (NM_001289103.2); c.1547C>T, p.Pro516Leu (NM_001379608.1, NM_002743.3); short protein forms P516L, P523L, P513L.
Identifiers: ClinVar variation 4144464 (VCV004144464.4).

ClinVar aggregate classification (germline): Conflicting classifications of pathogenicity. Review status: criteria provided, conflicting classifications (1 of 4 stars). 4 submissions from 4 submitters: Uncertain significance (3); Likely benign (1). Last evaluated 2025-08-25.

Conditions:
Inborn genetic diseases. Identifiers: MedGen C0950123, MeSH D030342.

Submissions (4):

Ambry Genetics
Classification: Likely benign for Inborn genetic diseases. Last evaluated: 2025-08-25. Review status: criteria provided, single submitter. Criteria: Ambry Variant Classification Scheme 2023. Collection method: clinical testing. Allele origin: germline.

GeneDx
Classification: Uncertain significance. Last evaluated: 2025-07-08. Review status: criteria provided, single submitter. Criteria: GeneDx Variant Classification Process June 2021. Collection method: clinical testing. Allele origin: germline. Affected: yes.
Comment: In silico analysis supports that this missense variant has a deleterious effect on protein structure/function; Has not been previously published as pathogenic or benign to our knowledge

Mayo Clinic Laboratories, Mayo Clinic
Classification: Uncertain significance. Last evaluated: 2025-07-01. Review status: criteria provided, single submitter. Criteria: ACMG Guidelines, 2015. Collection method: clinical testing. Allele origin: germline. Observed: 1 variant allele.
Comment: BP4

Labcorp Genetics (formerly Invitae), Labcorp
Classification: Uncertain significance. Last evaluated: 2025-04-30. Review status: criteria provided, single submitter. Criteria: Invitae Variant Classification Sherloc (09022015). Collection method: clinical testing. Allele origin: germline.
Comment: This sequence change replaces proline, which is neutral and non-polar, with leucine, which is neutral and non-polar, at codon 516 of the PRKCSH protein (p.Pro516Leu). This variant is present in population databases (rs748965645, gnomAD 0.08%), and has an allele count higher than expected for a pathogenic variant. This variant has not been reported in the literature in individuals affected with PRKCSH-related conditions. An algorithm developed to predict the effect of missense changes on protein structure and function (PolyPhen-2) suggests that this variant is likely to be disruptive. In summary, the available evidence is currently insufficient to determine the role of this variant in disease. Therefore, it has been classified as a Variant of Uncertain Significance.